The following is an entry in ClinVar:

NM_005612.5(REST):c.2515G>T (p.Glu839Ter)

Gene: REST (RE1 silencing transcription factor; plus strand). Cytogenetic location: 4q12.
Variant type: single nucleotide variant.
Coding change: c.2515G>T on transcript NM_005612.5 (MANE Select); coding-DNA position 2515, G replaced by T.
Protein change: p.Glu839Ter; replaces glutamic acid 839 with a stop codon.
Molecular consequence: nonsense.
Genome position (GRCh38, 1-based): chr4:56,931,373, G>T. VCF-style: chr4-56931373-G-T. GRCh37 (hg19) VCF-style: chr4-57797539-G-T.
Other names: c.2515G>T, p.Glu839Ter (NM_001193508.2, NM_001363453.3); short protein forms E839*.
Identifiers: ClinVar variation 521809 (VCV000521809.4), dbSNP rs1553904378, ClinGen allele CA357008952.

ClinVar aggregate classification (germline): Likely pathogenic (1 of 4 stars; one submission).

Conditions:
Inborn genetic diseases. Identifiers: MedGen C0950123, MeSH D030342.

Submission:

Ambry Genetics
Classification: Likely pathogenic for Inborn genetic diseases. Last evaluated: 2024-04-24. Review status: criteria provided, single submitter. Criteria: Ambry Variant Classification Scheme 2023. Collection method: clinical testing. Allele origin: germline.
Comment: The c.2515G>T (p.E839*) alteration, located in exon 4 (coding exon 3) of the REST gene, consists of a G to T substitution at nucleotide position 2515. This changes the amino acid from a glutamic acid (E) to a stop codon at amino acid position 839. This alteration occurs at the 3' terminus of the REST gene, is not expected to trigger nonsense-mediated mRNA decay, and impacts the last 23.6% of the protein. Loss of function of REST has not been established as a mechanism of disease; however, premature stop codons have been reported as disease-causing for REST-related gingival fibromatosis. This variant was not reported in population-based cohorts in the Genome Aggregation Database (gnomAD). Based on the available evidence, this alteration is classified as likely pathogenic.